The following is an entry in ClinVar:

NM_020975.6(RET):c.1783G>T (p.Glu595Ter)

Gene: RET (ret proto-oncogene; plus strand). Cytogenetic location: 10q11.21.
Variant type: single nucleotide variant.
Coding change: c.1783G>T on transcript NM_020975.6 (MANE Select); coding-DNA position 1783, G replaced by T.
Protein change: p.Glu595Ter; replaces glutamic acid 595 with a stop codon.
Molecular consequence: nonsense.
Genome position (GRCh38, 1-based): chr10:43,113,579, G>T. VCF-style: chr10-43113579-G-T. GRCh37 (hg19) VCF-style: chr10-43609027-G-T.
Other names: c.598G>T, p.Glu200Ter (NM_001406790.1, NM_001406788.1, NM_001406789.1); c.1783G>T, p.Glu595Ter (NM_000323.2, NM_001406743.1, NM_001406744.1 and 6 more transcripts); c.1021G>T, p.Glu341Ter (NM_001355216.2); c.1654G>T, p.Glu552Ter (NM_001406761.1, NM_001406762.1, NM_001406764.1 and 1 more transcripts); c.1495G>T, p.Glu499Ter (NM_001406766.1, NM_001406767.1, NM_001406770.1); c.1387G>T, p.Glu463Ter (NM_001406769.1, NM_001406772.1); c.1345G>T, p.Glu449Ter (NM_001406771.1, NM_001406773.1); c.1258G>T, p.Glu420Ter (NM_001406774.1); and 5 more; short protein forms E595*, E341*, E253*, E112*, E200*, E353*, E463*, E265*.
Identifiers: ClinVar variation 657955 (VCV000657955.7), dbSNP rs1483605155, ClinGen allele CA376552530.

ClinVar aggregate classification (germline): Pathogenic (1 of 4 stars; one submission).

Conditions:
Multiple endocrine neoplasia, type 2 (MEN2). Identifiers: Orphanet 653, MedGen C4048306, MONDO:0019003. Disease mechanism: gain of function.

Submission:

Labcorp Genetics (formerly Invitae), Labcorp
Classification: Pathogenic for Multiple endocrine neoplasia, type 2. Last evaluated: 2018-08-15. Review status: criteria provided, single submitter. Criteria: Invitae Variant Classification Sherloc (09022015). Collection method: clinical testing. Allele origin: germline.
Comment: Loss-of-function variants in RET are known to be pathogenic (PMID: 22174939, 22648184). This sequence change creates a premature translational stop signal (p.Glu595*) in the RET gene. It is expected to result in an absent or disrupted protein product. This variant is not present in population databases (ExAC no frequency). This variant has not been reported in the literature in individuals with RET-related disease. For these reasons, this variant has been classified as Pathogenic.

Literature cited by the submitters: PubMed 22174939; PubMed 22648184.